The following is an entry in ClinVar:

NM_016507.4(CDK12):c.3934C>T (p.Pro1312Ser)

Gene: CDK12 (cyclin dependent kinase 12; plus strand). Cytogenetic location: 17q12.
Variant type: single nucleotide variant.
Coding change: c.3934C>T on transcript NM_016507.4 (MANE Select); coding-DNA position 3934, C replaced by T.
Protein change: p.Pro1312Ser; replaces proline 1312 with serine.
Molecular consequence: missense variant.
Genome position (GRCh38, 1-based): chr17:39,530,777, C>T. VCF-style: chr17-39530777-C-T. GRCh37 (hg19) VCF-style: chr17-37687030-C-T.
Other names: c.3907C>T, p.Pro1303Ser (NM_015083.4); short protein forms P1303S, P1312S.
Identifiers: ClinVar variation 4868447 (VCV004868447.1).
Genomic context (GRCh38, chr17:39,530,777, plus strand): 5'-GAGTTGAACCCAGCCGTGACAGCCGCCTTGCTGCAACTTTTATCCCAGCCTGAAGCAGAG[C>T]CTCCTGGCCACCTGCCACATGAGCACCAGGCCTTGAGACCAATGGAGTACTCCACCCGAC-3'
Protein context (NP_057591.2, residues 1302-1322): LQLLSQPEAE[Pro1312Ser]PGHLPHEHQA

ClinVar aggregate classification (germline): Uncertain significance (1 of 4 stars; one submission).

gnomAD v4.1: 1 of 1,614,128 alleles (0.000062%); highest among the groups gnomAD compares: Non-Finnish European, 0.000085%; no homozygotes.

Submission:

Ambry Genetics
Classification: Uncertain significance. Last evaluated: 2026-03-16. Review status: criteria provided, single submitter. Criteria: Ambry Variant Classification Scheme 2023. Collection method: clinical testing. Allele origin: germline.
Comment: The p.P1312S variant (also known as c.3934C>T), located in coding exon 14 of the CDK12 gene, results from a C to T substitution at nucleotide position 3934. The proline at codon 1312 is replaced by serine, an amino acid with similar properties. This amino acid position is conserved. In addition, this alteration is predicted to be tolerated by in silico analysis. Based on the available evidence, the clinical significance of this variant remains unclear.